The following is an entry in ClinVar:

ClinVar aggregate classification (germline): Likely pathogenic. Review status: criteria provided, multiple submitters, no conflicts (2 of 4 stars). 2 submissions from 2 submitters: Likely pathogenic (2). Last evaluated 2021-10-02.

Conditions:
Citrullinemia type I (CTNL1). Also called: ASS DEFICIENCY; argininosuccinate synthetase deficiency. Identifiers: Orphanet 247525, MedGen C4721769, MONDO:0008988, OMIM 215700.

Allele frequency attached by ClinVar (database versions not stated): TOPMed 0.00001.

Submissions (2):

3billion
Classification: Likely pathogenic for Citrullinemia type I. Last evaluated: 2021-10-02. Review status: criteria provided, single submitter. Criteria: ACMG Guidelines, 2015. Collection method: clinical testing. Allele origin: unknown. Affected: yes. Observed: 1 heterozygote.
Comment: Same nucleotide change resulting in same amino acid change has been previously reported as pathogenic/likely pathogenic/likely pathogenic with supporting evidence (PMID: 23099195, PS1_P). It is not observed in the gnomAD v2.1.1 dataset (PM2). In silico tool predictions suggest damaging effect of the variant on gene or gene product (REVEL: 0.923, 3Cnet: 0.995, PP3). Patient is considered compatible with Snijders Citrullinemia (PP4_P).Therefore, this variant is classified as likley pathogenic according to the recommendation of ACMG/AMP guideline.

Soonchunhyang University Bucheon Hospital, Soonchunhyang University Medical Center
Classification: Likely pathogenic for Citrullinemia type I. Last evaluated: 2016-03-18. Review status: criteria provided, single submitter. Criteria: ACMG Guidelines, 2015. Collection method: reference population. Allele origin: germline. Observed: 1 variant allele.

Literature cited by the submitters: PubMed 23099195 (cited by 3billion and Soonchunhyang University Bucheon Hospital, Soonchunhyang University Medical Center).

NM_054012.4(ASS1):c.689G>C (p.Gly230Ala)

Gene: ASS1 (argininosuccinate synthase 1; plus strand). Cytogenetic location: 9q34.11.
Variant type: single nucleotide variant.
Coding change: c.689G>C on transcript NM_054012.4 (MANE Select); coding-DNA position 689, G replaced by C.
Protein change: p.Gly230Ala; replaces glycine 230 with alanine.
Molecular consequence: missense variant.
Genome position (GRCh38, 1-based): chr9:130,479,716, G>C. VCF-style: chr9-130479716-G-C. GRCh37 (hg19) VCF-style: chr9-133355103-G-C.
Other names: c.689G>C, p.Gly230Ala (NM_000050.4); short protein forms G230A.
Identifiers: ClinVar variation 225298 (VCV000225298.4), dbSNP rs1085307056, ClinGen allele CA375229025.